The following is an entry in ClinVar:

ClinVar aggregate classification (germline): Likely benign. Review status: criteria provided, multiple submitters, no conflicts (2 of 4 stars). 4 submissions from 4 submitters: Likely benign (4). Last evaluated 2025-09-24.

Conditions:
Hereditary breast ovarian cancer syndrome. Also called: Hereditary breast and ovarian cancer syndrome (HBOC); Hereditary breast and/or ovarian cancer syndrome; Hereditary breast and ovarian cancer syndrome; BRCA1- and BRCA2-Associated Hereditary Breast and Ovarian Cancer; Hereditary breast and ovarian cancer; Breast and ovarian cancer. Identifiers: Orphanet 145, MedGen C0677776, MeSH D061325, MONDO:0003582. Disease mechanism: loss of function.
Breast-ovarian cancer, familial, susceptibility to, 2 (BROVCA2). Also called: BRCA2 Hereditary Breast and Ovarian Cancer. Identifiers: Orphanet 145, MedGen C2675520, MONDO:0012933, OMIM 612555. Disease mechanism: loss of function.
Hereditary cancer-predisposing syndrome. Also called: Tumor predisposition; Hereditary Cancer Syndrome; Neoplastic Syndromes, Hereditary; Hereditary neoplastic syndrome. Identifiers: Orphanet 140162, MedGen C0027672, MeSH D009386, MONDO:0015356.

Allele frequency attached by ClinVar (database versions not stated): TOPMed below 0.00001.

Submissions (4):

Labcorp Genetics (formerly Invitae), Labcorp
Classification: Likely benign for Hereditary breast ovarian cancer syndrome. Last evaluated: 2025-09-24. Review status: criteria provided, single submitter. Criteria: Invitae Variant Classification Sherloc (09022015). Collection method: clinical testing. Allele origin: germline.

Women's Health and Genetics/Laboratory Corporation of America, LabCorp
Classification: Likely benign. Last evaluated: 2024-04-04. Review status: criteria provided, single submitter. Criteria: LabCorp Variant Classification Summary - May 2015. Collection method: clinical testing. Allele origin: germline.

All of Us Research Program, National Institutes of Health
Classification: Likely benign for Breast-ovarian cancer, familial, susceptibility to, 2. Last evaluated: 2023-09-17. Review status: criteria provided, single submitter. Criteria: ACMG Guidelines, 2015. Collection method: clinical testing. Allele origin: germline. Inheritance: Autosomal dominant inheritance. Observed: 1 variant allele, 1 heterozygote.
Comment: This study involves interpretation of variants in research participants for the purpose of population health screening. Participant phenotype was not available at the time of variant classification. Additional details can be found in publication PMID: 35346344, PMCID: PMC8962531

Ambry Genetics
Classification: Likely benign for Hereditary cancer-predisposing syndrome. Last evaluated: 2022-04-27. Review status: criteria provided, single submitter. Criteria: Ambry Variant Classification Scheme 2023. Collection method: clinical testing. Allele origin: germline.

NM_000059.4(BRCA2):c.2871T>C (p.Asn957=)

Gene: BRCA2 (BRCA2 DNA repair associated; plus strand). Cytogenetic location: 13q13.1.
Variant type: single nucleotide variant.
Coding change: c.2871T>C on transcript NM_000059.4 (MANE Select); coding-DNA position 2871, T replaced by C.
Protein change: p.Asn957=; no amino-acid change (asparagine 957 retained).
Molecular consequence: synonymous variant.
Genome position (GRCh38, 1-based): chr13:32,337,226, T>C. VCF-style: chr13-32337226-T-C. GRCh37 (hg19) VCF-style: chr13-32911363-T-C.
Identifiers: ClinVar variation 762719 (VCV000762719.14), dbSNP rs1453105628, ClinGen allele CA483437076.